The following is an entry in ClinVar:

ClinVar aggregate classification (germline): Uncertain significance (1 of 4 stars; one submission).

Conditions:
Cardiovascular phenotype. Identifiers: MedGen CN230736.

Allele frequency attached by ClinVar (database versions not stated): TOPMed below 0.00001; gnomAD exomes 0.00001.
gnomAD v4.1: 3 of 1,613,440 alleles (0.00019%); highest among the groups gnomAD compares: Non-Finnish European, 0.00025%; no homozygotes.

Submission:

Ambry Genetics
Classification: Uncertain significance for Cardiovascular phenotype. Last evaluated: 2019-01-21. Review status: criteria provided, single submitter. Criteria: Ambry Variant Classification Scheme 2023. Collection method: clinical testing. Allele origin: germline.
Comment: The p.P10673L variant (also known as c.32018C>T), located in coding exon 127 of the TTN gene, results from a C to T substitution at nucleotide position 32018. The proline at codon 10673 is replaced by leucine, an amino acid with similar properties. This amino acid position is well conserved in available vertebrate species. In addition, this alteration is predicted to be tolerated by in silico analysis. Since supporting evidence is limited at this time, the clinical significance of this alteration remains unclear.

NM_001267550.2(TTN):c.59213C>T (p.Pro19738Leu)

Genes: TTN (titin; minus strand), TTN-AS1 (TTN antisense RNA 1; plus strand). Cytogenetic location: 2q31.2.
Variant type: single nucleotide variant.
Coding change: c.59213C>T on transcript NM_001267550.2 (MANE Select); coding-DNA position 59213, C replaced by T.
Protein change: p.Pro19738Leu; replaces proline 19738 with leucine.
Molecular consequence: missense variant.
Genome position (GRCh38, 1-based): chr2:178,592,906, G>A on the plus strand (C>T on the coding strand, the complement: TTN is on the minus strand). VCF-style: chr2-178592906-G-A. GRCh37 (hg19) VCF-style: chr2-179457633-G-A.
Other names: c.54290C>T, p.Pro18097Leu (NM_001256850.1); c.32018C>T, p.Pro10673Leu (NM_003319.4); c.51509C>T, p.Pro17170Leu (NM_133378.4); c.32393C>T, p.Pro10798Leu (NM_133432.3); c.32594C>T, p.Pro10865Leu (NM_133437.4); short protein forms P10673L, P10865L, P17170L, P10798L, P18097L, P19738L.
Identifiers: ClinVar variation 1728824 (VCV001728824.2), dbSNP rs879199918, ClinGen allele CA60970964.